The following is an entry in ClinVar:

NM_001005498.4(RHBDF2):c.1574+7C>T

Gene: RHBDF2 (rhomboid 5 homolog 2; minus strand). Cytogenetic location: 17q25.1.
Variant type: single nucleotide variant.
Coding change: c.1574+7C>T on transcript NM_001005498.4 (MANE Select); 7 bases into the intron after coding-DNA position 1574, C replaced by T.
Molecular consequence: intron variant.
Genome position (GRCh38, 1-based): chr17:76,474,026, G>A on the plus strand (C>T on the coding strand, the complement: RHBDF2 is on the minus strand). VCF-style: chr17-76474026-G-A. GRCh37 (hg19) VCF-style: chr17-74470108-G-A.
Other names: c.1661+7C>T (NM_024599.5); c.1574+7C>T (NM_001376230.1, NM_001376228.1, NM_001376229.1).
Identifiers: ClinVar variation 890957 (VCV000890957.6), dbSNP rs568757638, ClinGen allele CA8786954.

ClinVar aggregate classification (germline): Likely benign. Review status: criteria provided, multiple submitters, no conflicts (2 of 4 stars). 2 submissions from 2 submitters: Likely benign (2). Last evaluated 2024-04-03.

Conditions:
Palmoplantar keratoderma-esophageal carcinoma syndrome (TOC). Also called: KERATOSIS PALMARIS ET PLANTARIS WITH ESOPHAGEAL CANCER; PALMOPLANTAR KERATODERMA WITH ESOPHAGEAL CANCER; Tylosis with Esophageal Cancer. Identifiers: Orphanet 2198, MedGen C1835664, MONDO:0007856, OMIM 148500.

Allele frequency attached by ClinVar (database versions not stated): gnomAD 0.00001; gnomAD exomes 0.00001 and 0.00004; TOPMed 0.00002; ExAC 0.00004; 1000 Genomes Project 30x 0.00016; 1000 Genomes Project 0.00020.
gnomAD v4.1: 16 of 1,611,684 alleles (0.00099%); highest among the groups gnomAD compares: East Asian, 0.031%; no homozygotes.

Submissions (2):

Labcorp Genetics (formerly Invitae), Labcorp
Classification: Likely benign. Last evaluated: 2024-04-03. Review status: criteria provided, single submitter. Criteria: Invitae Variant Classification Sherloc (09022015). Collection method: clinical testing. Allele origin: germline.

Illumina Laboratory Services, Illumina
Classification: Likely benign for Palmoplantar keratoderma-esophageal carcinoma syndrome. Last evaluated: 2018-01-13. Review status: criteria provided, single submitter. Criteria: ICSL Variant Classification Criteria 13 December 2019. Collection method: clinical testing. Allele origin: germline.
Comment: This variant was observed in the ICSL laboratory as part of a predisposition screen in an ostensibly healthy population. It had not been previously curated by ICSL or reported in the Human Gene Mutation Database (HGMD: prior to June 1st, 2018), and was therefore a candidate for classification through an automated scoring system. Utilizing variant allele frequency, disease prevalence and penetrance estimates, and inheritance mode, an automated score was calculated to assess if this variant is too frequent to cause the disease. Based on the score and internal cut-off values, a variant classified as likely benign is not then subjected to further curation. The score for this variant resulted in a classification of likely benign for this disease.